The following is an entry in ClinVar:

ClinVar aggregate classification (germline): Uncertain significance (1 of 4 stars; one submission).

Allele frequency attached by ClinVar (database versions not stated): gnomAD exomes 0.00001 and 0.00003; ExAC 0.00002.

Submission:

Labcorp Genetics (formerly Invitae), Labcorp
Classification: Uncertain significance. Last evaluated: 2025-07-20. Review status: criteria provided, single submitter. Criteria: Invitae Variant Classification Sherloc (09022015). Collection method: clinical testing. Allele origin: germline.
Comment: This sequence change replaces threonine, which is neutral and polar, with isoleucine, which is neutral and non-polar, at codon 221 of the MRPL44 protein (p.Thr221Ile). This variant is present in population databases (rs780803278, gnomAD 0.02%). This variant has not been reported in the literature in individuals affected with MRPL44-related conditions. ClinVar contains an entry for this variant (Variation ID: 1390368). Invitae Evidence Modeling of protein sequence and biophysical properties (such as structural, functional, and spatial information, amino acid conservation, physicochemical variation, residue mobility, and thermodynamic stability) has been performed for this missense variant. However, the output from this modeling did not meet the statistical confidence thresholds required to predict the impact of this variant on MRPL44 protein function. In summary, the available evidence is currently insufficient to determine the role of this variant in disease. Therefore, it has been classified as a Variant of Uncertain Significance.

NM_022915.5(MRPL44):c.662C>T (p.Thr221Ile)

Gene: MRPL44 (mitochondrial ribosomal protein L44; plus strand). Cytogenetic location: 2q36.1.
Variant type: single nucleotide variant.
Coding change: c.662C>T on transcript NM_022915.5 (MANE Select); coding-DNA position 662, C replaced by T.
Protein change: p.Thr221Ile; replaces threonine 221 with isoleucine.
Molecular consequence: missense variant.
Genome position (GRCh38, 1-based): chr2:223,963,769, C>T. VCF-style: chr2-223963769-C-T. GRCh37 (hg19) VCF-style: chr2-224828486-C-T.
Other names: short protein forms T221I.
Identifiers: ClinVar variation 1390368 (VCV001390368.6), dbSNP rs780803278, ClinGen allele CA2139089.